The following is an entry in ClinVar:

ClinVar aggregate classification (germline): Uncertain significance (1 of 4 stars; one submission).

Conditions:
Familial thoracic aortic aneurysm and aortic dissection (TAAD). Also called: Thoracic aortic aneurysms and dissections. Identifiers: Orphanet 91387, MedGen C4707243, MONDO:0019625.

Allele frequency attached by ClinVar (database versions not stated): gnomAD exomes below 0.00001.
gnomAD v4.1: 1 of 1,613,264 alleles (0.000062%); highest among the groups gnomAD compares: Non-Finnish European, 0.000085%; no homozygotes.

Submission:

Ambry Genetics
Classification: Uncertain significance for Familial thoracic aortic aneurysm and aortic dissection. Last evaluated: 2022-08-27. Review status: criteria provided, single submitter. Criteria: Ambry Variant Classification Scheme 2023. Collection method: clinical testing. Allele origin: germline.
Comment: The p.L91F variant (also known as c.271C>T), located in coding exon 1 of the PRKG1 gene, results from a C to T substitution at nucleotide position 271. The leucine at codon 91 is replaced by phenylalanine, an amino acid with highly similar properties. This amino acid position is conserved. In addition, this alteration is predicted to be tolerated by in silico analysis. Since supporting evidence is limited at this time, the clinical significance of this alteration remains unclear.

NM_006258.4(PRKG1):c.271C>T (p.Leu91Phe)

Gene: PRKG1 (protein kinase cGMP-dependent 1; plus strand). Cytogenetic location: 10q11.23.
Variant type: single nucleotide variant.
Coding change: c.271C>T on transcript NM_006258.4 (MANE Select); coding-DNA position 271, C replaced by T.
Protein change: p.Leu91Phe; replaces leucine 91 with phenylalanine.
Molecular consequence: missense variant. On other transcripts: intron variant (1).
Genome position (GRCh38, 1-based): chr10:51,074,861, C>T. VCF-style: chr10-51074861-C-T. GRCh37 (hg19) VCF-style: chr10-52834621-C-T.
Other names: c.271C>T, p.Leu91Phe (NM_001374782.1); c.267-78303C>T (NM_001098512.3); short protein forms L91F.
Identifiers: ClinVar variation 1795167 (VCV001795167.2), dbSNP rs1440117755, ClinGen allele CA376827173.